The following is an entry in ClinVar:

ClinVar aggregate classification (germline): Uncertain significance (1 of 4 stars; one submission).

gnomAD v4.1: 3 of 1,608,924 alleles (0.00019%); highest among the groups gnomAD compares: Non-Finnish European, 0.00025%; no homozygotes.

Submission:

GeneDx
Classification: Uncertain significance. Last evaluated: 2023-12-19. Review status: criteria provided, single submitter. Criteria: GeneDx Variant Classification Process June 2021. Collection method: clinical testing. Allele origin: germline. Affected: yes.
Comment: Not observed at significant frequency in large population cohorts (gnomAD); In silico analysis supports that this missense variant has a deleterious effect on protein structure/function; Has not been previously published as pathogenic or benign to our knowledge

NM_032271.3(TRAF7):c.236C>G (p.Pro79Arg)

Gene: TRAF7 (TNF receptor associated factor 7; plus strand). Cytogenetic location: 16p13.3.
Variant type: single nucleotide variant.
Coding change: c.236C>G on transcript NM_032271.3 (MANE Select); coding-DNA position 236, C replaced by G.
Protein change: p.Pro79Arg; replaces proline 79 with arginine.
Molecular consequence: missense variant.
Genome position (GRCh38, 1-based): chr16:2,170,618, C>G. VCF-style: chr16-2170618-C-G. GRCh37 (hg19) VCF-style: chr16-2220619-C-G.
Other names: short protein forms P79R.
Identifiers: ClinVar variation 3343160 (VCV003343160.1).